The following is an entry in ClinVar:

NM_000138.5(FBN1):c.6038-18C>T

Gene: FBN1 (fibrillin 1; minus strand). Cytogenetic location: 15q21.1.
Variant type: single nucleotide variant.
Coding change: c.6038-18C>T on transcript NM_000138.5 (MANE Select); 18 bases into the intron before coding-DNA position 6038, C replaced by T.
Molecular consequence: intron variant.
Genome position (GRCh38, 1-based): chr15:48,441,864, G>A on the plus strand (C>T on the coding strand, the complement: FBN1 is on the minus strand). VCF-style: chr15-48441864-G-A. GRCh37 (hg19) VCF-style: chr15-48734061-G-A.
Identifiers: ClinVar variation 514676 (VCV000514676.8), dbSNP rs767567399, ClinGen allele CA056085.

ClinVar aggregate classification (germline): Likely benign. Review status: criteria provided, multiple submitters, no conflicts (2 of 4 stars). 2 submissions from 2 submitters: Likely benign (2). Last evaluated 2021-11-20.

Conditions:
Familial thoracic aortic aneurysm and aortic dissection (TAAD). Also called: Thoracic aortic aneurysms and dissections. Identifiers: Orphanet 91387, MedGen C4707243, MONDO:0019625.
Marfan syndrome (MFS). Also called: Marfan syndrome type 1; Marfan syndrome, classic; Marfan's syndrome; FBN1-Related Marfan Syndrome; MARFAN SYNDROME, TYPE I. Identifiers: Orphanet 284963, Orphanet 558, MedGen C0024796, MONDO:0007947, OMIM 154700.

Allele frequency attached by ClinVar (database versions not stated): gnomAD exomes below 0.00001; TOPMed below 0.00001; ExAC 0.00001; gnomAD 0.00001.
gnomAD v4.1: 3 of 1,611,830 alleles (0.00019%); highest among the groups gnomAD compares: Admixed American, 0.0017%; no homozygotes.

Submissions (2):

Labcorp Genetics (formerly Invitae), Labcorp
Classification: Likely benign for Marfan syndrome; Familial thoracic aortic aneurysm and aortic dissection. Last evaluated: 2021-11-20. Review status: criteria provided, single submitter. Criteria: Invitae Variant Classification Sherloc (09022015). Collection method: clinical testing. Allele origin: germline.

GeneDx
Classification: Likely benign. Last evaluated: 2018-01-09. Review status: criteria provided, single submitter. Criteria: GeneDx Variant Classification (06012015). Collection method: clinical testing. Allele origin: germline. Affected: yes.
Comment: This variant is considered likely benign or benign based on one or more of the following criteria: it is a conservative change, it occurs at a poorly conserved position in the protein, it is predicted to be benign by multiple in silico algorithms, and/or has population frequency not consistent with disease.